The following is an entry in ClinVar:

NM_006431.3(CCT2):c.1222T>G (p.Tyr408Asp)

Gene: CCT2 (chaperonin containing TCP1 subunit 2; plus strand). Cytogenetic location: 12q15.
Variant type: single nucleotide variant.
Coding change: c.1222T>G on transcript NM_006431.3 (MANE Select); coding-DNA position 1222, T replaced by G.
Protein change: p.Tyr408Asp; replaces tyrosine 408 with aspartic acid.
Molecular consequence: missense variant.
Genome position (GRCh38, 1-based): chr12:69,597,757, T>G. VCF-style: chr12-69597757-T-G. GRCh37 (hg19) VCF-style: chr12-69991537-T-G.
Other names: c.1081T>G, p.Tyr361Asp (NM_001198842.2); short protein forms Y408D, Y361D.
Identifiers: ClinVar variation 1984861 (VCV001984861.4), dbSNP rs780457695, ClinGen allele CA385730861.

ClinVar aggregate classification (germline): Uncertain significance (1 of 4 stars; one submission).

Allele frequency attached by ClinVar (database versions not stated): gnomAD 0.00001.

Submission:

Labcorp Genetics (formerly Invitae), Labcorp
Classification: Uncertain significance. Last evaluated: 2023-05-15. Review status: criteria provided, single submitter. Criteria: Invitae Variant Classification Sherloc (09022015). Collection method: clinical testing. Allele origin: germline.
Comment: In summary, the available evidence is currently insufficient to determine the role of this variant in disease. Therefore, it has been classified as a Variant of Uncertain Significance. An algorithm developed to predict the effect of missense changes on protein structure and function (PolyPhen-2) suggests that this variant is likely to be tolerated. ClinVar contains an entry for this variant (Variation ID: 1984861). This variant has not been reported in the literature in individuals affected with CCT2-related conditions. This variant is not present in population databases (gnomAD no frequency). This sequence change replaces tyrosine, which is neutral and polar, with aspartic acid, which is acidic and polar, at codon 408 of the CCT2 protein (p.Tyr408Asp).